The following is an entry in ClinVar:

NM_004830.4(MED23):c.1675T>G (p.Leu559Val)

Gene: MED23 (mediator complex subunit 23; minus strand). Cytogenetic location: 6q23.2.
Variant type: single nucleotide variant.
Coding change: c.1675T>G on transcript NM_004830.4 (MANE Select); coding-DNA position 1675, T replaced by G.
Protein change: p.Leu559Val; replaces leucine 559 with valine.
Molecular consequence: missense variant.
Genome position (GRCh38, 1-based): chr6:131,604,259, A>C on the plus strand (T>G on the coding strand, the complement: MED23 is on the minus strand). VCF-style: chr6-131604259-A-C. GRCh37 (hg19) VCF-style: chr6-131925399-A-C.
Other names: c.1675T>G, p.Leu559Val (NM_001270521.2, NM_001270522.2, NM_001376519.1 and 3 more transcripts); c.1693T>G, p.Leu565Val (NM_001376517.1, NM_015979.4); c.1621T>G, p.Leu541Val (NM_001376518.1); c.1534T>G, p.Leu512Val (NM_001376520.1); c.1420T>G, p.Leu474Val (NM_001376523.1); short protein forms L474V, L541V, L559V, L565V, L512V.
Identifiers: ClinVar variation 1778189 (VCV001778189.2), dbSNP rs1185543385, ClinGen allele CA365673348.
Genomic context (GRCh38, chr6:131,604,259, plus strand): 5'-AAGACTCTATTTCCATATAGACCAATAAACGACTGTAAGTTTCCACTAGGGCTGGAGCCA[A>C]GGCCACACTGGACTTTGCATGAGCAAGTTTTATCACCCTGGTTGCAATGCTGTGAATAAG-3'
Protein context (NP_004821.2, residues 549-569): KLAHAKSSVA[Leu559Val]APALVETYSR

ClinVar aggregate classification (germline): Uncertain significance (1 of 4 stars; one submission).

Conditions:
Inborn genetic diseases. Identifiers: MedGen C0950123, MeSH D030342.

Allele frequency attached by ClinVar (database versions not stated): gnomAD exomes below 0.00001.
gnomAD v4.1: 4 of 1,613,966 alleles (0.00025%); highest among the groups gnomAD compares: Non-Finnish European, 0.00034%; no homozygotes.

Submission:

Ambry Genetics
Classification: Uncertain significance for Inborn genetic diseases. Last evaluated: 2017-09-26. Review status: criteria provided, single submitter. Criteria: Ambry Variant Classification Scheme 2023. Collection method: clinical testing. Allele origin: germline.
Comment: The p.L565V variant (also known as c.1693T>G), located in coding exon 16 of the MED23 gene, results from a T to G substitution at nucleotide position 1693. The leucine at codon 565 is replaced by valine, an amino acid with highly similar properties. This amino acid position is highly conserved in available vertebrate species. In addition, this alteration is predicted to be deleterious by in silico analysis. Since supporting evidence is limited at this time, the clinical significance of this alteration remains unclear.